The following is an entry in ClinVar:

ClinVar aggregate classification (germline): Likely benign. Review status: criteria provided, multiple submitters, no conflicts (2 of 4 stars). 2 submissions from 2 submitters: Likely benign (2). Last evaluated 2025-10-15.

Conditions:
Pyogenic arthritis-pyoderma gangrenosum-acne syndrome (PAPA). Also called: FAMILIAL RECURRENT ARTHRITIS; PAPA SYNDROME. Identifiers: Orphanet 69126, MedGen C1858361, MONDO:0011462, OMIM 604416.

Allele frequency attached by ClinVar (database versions not stated): TOPMed 0.00005; ESP Exome Variant Server 0.00008; 1000 Genomes Project 30x 0.00031; 1000 Genomes Project 0.00040; gnomAD 0.00001 and 0.00002; ExAC 0.00005.
gnomAD v4.1: 58 of 1,612,662 alleles (0.0036%); highest among the groups gnomAD compares: Middle Eastern, 0.017%; no homozygotes.

Submissions (2):

Labcorp Genetics (formerly Invitae), Labcorp
Classification: Likely benign for Pyogenic arthritis-pyoderma gangrenosum-acne syndrome. Last evaluated: 2025-10-15. Review status: criteria provided, single submitter. Criteria: Invitae Variant Classification Sherloc (09022015). Collection method: clinical testing. Allele origin: germline.

Illumina Laboratory Services, Illumina
Classification: Likely benign for Pyogenic arthritis-pyoderma gangrenosum-acne syndrome. Last evaluated: 2018-01-13. Review status: criteria provided, single submitter. Criteria: ICSL Variant Classification Criteria 13 December 2019. Collection method: clinical testing. Allele origin: germline.
Comment: This variant was observed in the ICSL laboratory as part of a predisposition screen in an ostensibly healthy population. It had not been previously curated by ICSL or reported in the Human Gene Mutation Database (HGMD: prior to June 1st, 2018), and was therefore a candidate for classification through an automated scoring system. Utilizing variant allele frequency, disease prevalence and penetrance estimates, and inheritance mode, an automated score was calculated to assess if this variant is too frequent to cause the disease. Based on the score and internal cut-off values, a variant classified as likely benign is not then subjected to further curation. The score for this variant resulted in a classification of likely benign for this disease.

NM_003978.5(PSTPIP1):c.795C>T (p.Ile265=)

Gene: PSTPIP1 (proline-serine-threonine phosphatase interacting protein 1; plus strand). Cytogenetic location: 15q24.3.
Variant type: single nucleotide variant.
Coding change: c.795C>T on transcript NM_003978.5 (MANE Select); coding-DNA position 795, C replaced by T.
Protein change: p.Ile265=; no amino-acid change (isoleucine 265 retained).
Molecular consequence: synonymous variant.
Genome position (GRCh38, 1-based): chr15:77,032,351, C>T. VCF-style: chr15-77032351-C-T. GRCh37 (hg19) VCF-style: chr15-77324692-C-T.
Other names: c.795C>T (LRG_172t1); c.795C>T, p.Ile265= (NM_001321135.2); c.768C>T, p.Ile256= (NM_001321136.2); c.990C>T, p.Ile330= (NM_001321137.1).
Identifiers: ClinVar variation 317180 (VCV000317180.15), dbSNP rs368528834, ClinGen allele CA7675985.